The following is an entry in ClinVar:

ClinVar aggregate classification (germline): Likely benign. Review status: criteria provided, multiple submitters, no conflicts (2 of 4 stars). 2 submissions from 2 submitters: Likely benign (2). Last evaluated 2026-09-15.

Conditions:
TTN-related disorder. Also called: TTN-related disorders; TTN-related condition; TTN-related disease.

gnomAD v4.1: 39 of 1,612,418 alleles (0.0024%); highest among the groups gnomAD compares: Middle Eastern, 0.066%; 1 homozygote.

Submissions (2):

PreventionGenetics, part of Exact Sciences
Classification: Likely benign for TTN-related condition. Last evaluated: 2026-09-15. Review status: criteria provided, single submitter. Criteria: ACMG Guidelines, 2015. Collection method: clinical testing. Allele origin: germline.
Comment: This variant is classified as likely benign based on ACMG/AMP sequence variant interpretation guidelines (Richards et al. 2015 PMID: 25741868, with internal and published modifications).

Blueprint Genetics
Classification: Likely benign. Last evaluated: 2022-01-14. Review status: criteria provided, single submitter. Criteria: ACMG Guidelines, 2015. Collection method: clinical testing. Allele origin: germline.

NM_001267550.2(TTN):c.11311+2109T>C

Gene: TTN (titin; minus strand). Cytogenetic location: 2q31.2.
Variant type: single nucleotide variant.
Coding change: c.11311+2109T>C on transcript NM_001267550.2 (MANE Select); 2109 bases into the intron after coding-DNA position 11311, T replaced by C.
Molecular consequence: intron variant. On other transcripts: synonymous variant (1).
Genome position (GRCh38, 1-based): chr2:178,751,015, A>G on the plus strand (T>C on the coding strand, the complement: TTN is on the minus strand). VCF-style: chr2-178751015-A-G. GRCh37 (hg19) VCF-style: chr2-179615742-A-G.
Other names: c.11385T>C, p.Thr3795= (NM_133379.5); c.10222+2109T>C (NM_003319.4); c.10798+2109T>C (NM_133437.4); c.10597+2109T>C (NM_133432.3); c.10360+2109T>C (NM_133378.4, NM_001256850.1).
Identifiers: ClinVar variation 4958746 (VCV004958746.2).